The following is an entry in ClinVar:

ClinVar aggregate classification (germline): Uncertain significance (1 of 4 stars; one submission).

Conditions:
PLXNA2-related disorder. Also called: PLXNA2-related condition.

gnomAD v4.1: 4 of 1,610,396 alleles (0.00025%); highest among the groups gnomAD compares: African/African-American, 0.0054%; 1 homozygote.

Submission:

PreventionGenetics, part of Exact Sciences
Classification: Uncertain significance for PLXNA2-related condition. Last evaluated: 2025-02-21. Review status: criteria provided, single submitter. Criteria: ACMG Guidelines, 2015. Collection method: clinical testing. Allele origin: germline.
Comment: The PLXNA2 c.3008A>G variant is predicted to result in the amino acid substitution p.Glu1003Gly. To our knowledge, this variant has not been reported in the literature. This variant is reported in 0.025% of alleles in individuals of African descent in gnomAD. At this time, the clinical significance of this variant is uncertain due to the absence of conclusive functional and genetic evidence.

NM_025179.4(PLXNA2):c.3008A>G (p.Glu1003Gly)

Gene: PLXNA2 (plexin A2; minus strand). Cytogenetic location: 1q32.2.
Variant type: single nucleotide variant.
Coding change: c.3008A>G on transcript NM_025179.4 (MANE Select); coding-DNA position 3008, A replaced by G.
Protein change: p.Glu1003Gly; replaces glutamic acid 1003 with glycine.
Molecular consequence: missense variant.
Genome position (GRCh38, 1-based): chr1:208,051,409, T>C on the plus strand (A>G on the coding strand, the complement: PLXNA2 is on the minus strand). VCF-style: chr1-208051409-T-C. GRCh37 (hg19) VCF-style: chr1-208224754-T-C.
Other names: short protein forms E1003G.
Identifiers: ClinVar variation 4989686 (VCV004989686.1).
Genomic context (GRCh38, chr1:208,051,409, plus strand): 5'-CTCACAGAAACAGGGACCGGGCCAAGGCCATTGGATGATGGGGGTGAGACACACACGATC[T>C]CACTCATTGACCTCCTGACAGGGAGACAGCAGGAGGGTTGAGAAGAAAGGCATGGGCAAC-3'
Protein context (NP_079455.3, residues 993-1013): TCEFYGRSMS[Glu1003Gly]IVCVSPPSSN